The following is an entry in ClinVar:

NM_000552.5(VWF):c.604C>T (p.Arg202Trp)

Gene: VWF (von Willebrand factor; minus strand). Cytogenetic location: 12p13.31.
Variant type: single nucleotide variant.
Coding change: c.604C>T on transcript NM_000552.5 (MANE Select); coding-DNA position 604, C replaced by T.
Protein change: p.Arg202Trp; replaces arginine 202 with tryptophan.
Molecular consequence: missense variant.
Genome position (GRCh38, 1-based): chr12:6,095,513, G>A on the plus strand (C>T on the coding strand, the complement: VWF is on the minus strand). VCF-style: chr12-6095513-G-A. GRCh37 (hg19) VCF-style: chr12-6204679-G-A.
Other names: short protein forms R202W.
Identifiers: ClinVar variation 619940 (VCV000619940.6), dbSNP rs990682639, ClinGen allele CA232349411.

ClinVar aggregate classification (germline): Conflicting classifications of pathogenicity. Review status: criteria provided, conflicting classifications (1 of 4 stars). 4 submissions from 4 submitters: Likely pathogenic (1); Uncertain significance (2). 1 of the submissions does not count toward it. Last evaluated 2024-09-15.

Conditions:
von Willebrand disease type 2 (VWD2). Also called: VON WILLEBRAND DISEASE, TYPE 2A/IIE; VON WILLEBRAND DISEASE, TYPE 2CB; VON WILLEBRAND DISEASE, TYPE II; VWD, TYPE 2. Identifiers: Orphanet 166081, Orphanet 903, MedGen C1264040, MONDO:0013304, OMIM 613554.
von Willebrand disease type 1 (VWD1). Also called: VON WILLEBRAND DISEASE, TYPE I; VWD, TYPE 1. Identifiers: Orphanet 166078, Orphanet 903, MedGen C1264039, MONDO:0008668, OMIM 193400. Inheritance: autosomal recessive or autosomal dominant.

Allele frequency attached by ClinVar (database versions not stated): gnomAD exomes 0.00001 and 0.00002; gnomAD 0.00003; TOPMed 0.00003.

Submissions (4):

GeneDx
Classification: Likely pathogenic. Last evaluated: 2024-09-15. Review status: criteria provided, single submitter. Criteria: GeneDx Variant Classification Process June 2021. Collection method: clinical testing. Allele origin: germline. Affected: yes.
Comment: Identified with a second VWF variant, likely in cis, and a third VWF variant, likely in trans, in an individual with von Willebrand disease type 2A in the published literature (PMID: 19422453, 35452508); Published functional studies demonstrate that this variant leads to a VWF multimerization defect (PMID: 19422453); Not observed at significant frequency in large population cohorts (gnomAD); In silico analysis supports that this missense variant has a deleterious effect on protein structure/function; This variant is associated with the following publications: (PMID: 19422453, 35776905, 35452508, 37647632)

Quest Diagnostics Nichols Institute San Juan Capistrano
Classification: Uncertain significance. Last evaluated: 2018-06-12. Review status: criteria provided, single submitter. Criteria: Quest Diagnostics criteria. Collection method: clinical testing. Allele origin: germline.

Baylor Genetics
Classification: Uncertain significance for von Willebrand disease type 1. Last evaluated: 2018-03-02. Review status: criteria provided, single submitter. Criteria: ACMG Guidelines, 2015. Collection method: clinical testing. Allele origin: paternal. Affected: yes.
Comment: This variant was determined to be of uncertain significance according to ACMG Guidelines, 2015 [PMID:25741868].

Angelo Bianchi Bonomi Hemophilia and Thrombosis Center, Fondazione IRCCS Ca Granda Ospedale Maggiore Policlinico
Classification: Uncertain significance for von Willebrand disease type 2. Last evaluated: 2022-04-26. Review status: no assertion criteria provided. Collection method: clinical testing. Allele origin: germline. Affected: yes. Not counted in ClinVar's aggregate classification.